The following is an entry in ClinVar:

ClinVar aggregate classification (germline): Likely pathogenic (1 of 4 stars; one submission).

Conditions:
Anemia, nonspherocytic hemolytic, due to G6PD deficiency (CNSHA1). Also called: Hemolytic anemia due to G6PD deficiency; Favism, susceptibility to; Class I glucose-6-phosphate dehydrogenase deficiency; ANEMIA, CONGENITAL, NONSPHEROCYTIC HEMOLYTIC, 1. Identifiers: Orphanet 466026, MedGen C2720289, MONDO:0010480, OMIM 300908.

Submission:

Dunham Lab, University of Washington
Classification: Likely pathogenic for Anemia, nonspherocytic hemolytic, due to G6PD deficiency. Last evaluated: 2022-08-12. Review status: criteria provided, single submitter. Criteria: Bayesian ACMG Guidelines, 2018. Collection method: curation. Allele origin: unknown. Affected: yes.
Comment: Decreased activity in red blood cells (18%) (PS3). Both SNVs are below expected carrier frequency in gnomAD (PM2). Post_P 0.949 (odds of pathogenicity 168.4, Prior_P 0.1).

Literature cited by the submitters: PubMed 33072997.

NM_001360016.2(G6PD):c.[1048G>C;406C>T]

Variant type: Haplotype.
Identifiers: ClinVar variation 1722606 (VCV001722606.2).